The following is an entry in ClinVar:

NM_000038.6(APC):c.4090del (p.Ser1364fs)

Gene: APC (APC regulator of Wnt signaling pathway; plus strand). Cytogenetic location: 5q22.2.
Variant type: Deletion.
Coding change: c.4090del on transcript NM_000038.6 (MANE Select); coding-DNA position 4090, one base deleted (A; older notation c.4090delA).
Protein change: p.Ser1364fs; shifts the reading frame from serine 1364.
Molecular consequence: frameshift variant. On other transcripts: non-coding transcript variant (2).
Genome position (GRCh38, 1-based): chr5:112,839,684, A deleted; the last of 4 consecutive A bases (chr5:112,839,681-112,839,684); deleting any one gives the same sequence. VCF-style (leftmost placement, unchanged base first): chr5-112839680-CA-C. GRCh37 (hg19) VCF-style: chr5-112175377-CA-C.
Other names: c.4090del, p.Ser1364fs (NM_001127510.3, NM_001354895.2, NM_001407450.1); c.4036del, p.Ser1346fs (NM_001127511.3); c.4144del, p.Ser1382fs (NM_001354896.2, NM_001407447.1, NM_001407448.1 and 1 more transcripts); c.4120del, p.Ser1374fs (NM_001354897.2); c.4015del, p.Ser1339fs (NM_001354898.2); c.4006del, p.Ser1336fs (NM_001354899.2); c.3967del, p.Ser1323fs (NM_001354900.2); c.3913del, p.Ser1305fs (NM_001354901.2, NM_001407453.1); and 11 more; short protein forms S1081fs, S1204fs, S1235fs, S1238fs, S1263fs, S1273fs, S1281fs, S1305fs.
Identifiers: ClinVar variation 2584039 (VCV002584039.1), dbSNP rs2533547320, ClinGen allele CA445964104.
Genomic context (GRCh38, chr5:112,839,680, plus strand): 5'-ATCTTCAGAATCAGCCAGGCACAAAGCTGTTGAATTTTCTTCAGGAGCGAAATCTCCCTC[CA>C]AAAGTGGTGCTCAGACACCCAAAAGTCCACCTGAACACTATGTTCAGGAGACCCCACTCA-3'

ClinVar aggregate classification (germline): Pathogenic (1 of 4 stars; one submission).

Conditions:
Familial adenomatous polyposis 1 (FAP1). Also called: FAMILIAL ADENOMATOUS POLYPOSIS 1, ATTENUATED; POLYPOSIS, ADENOMATOUS INTESTINAL. Identifiers: MedGen C2713442, MONDO:0021056, OMIM 175100. Disease mechanism: loss of function.

Submission:

Myriad Genetics, Inc.
Classification: Pathogenic for Familial adenomatous polyposis 1. Last evaluated: 2023-05-10. Review status: criteria provided, single submitter. Criteria: Myriad Autosomal Dominant, Autosomal Recessive and X-Linked Classification Criteria (2023). Collection method: clinical testing. Allele origin: unknown.
Comment: This variant is considered pathogenic. This variant creates a frameshift predicted to result in premature protein truncation.